The following is an entry in ClinVar:

ClinVar aggregate classification (germline): Uncertain significance (1 of 4 stars; one submission).

Allele frequency attached by ClinVar (database versions not stated): gnomAD 0.00001; gnomAD exomes 0.00001; TOPMed 0.00002.
gnomAD v4.1: 20 of 1,614,150 alleles (0.0012%); highest among the groups gnomAD compares: Non-Finnish European, 0.0017%; no homozygotes.

Submission:

Labcorp Genetics (formerly Invitae), Labcorp
Classification: Uncertain significance. Last evaluated: 2022-02-05. Review status: criteria provided, single submitter. Criteria: Invitae Variant Classification Sherloc (09022015). Collection method: clinical testing. Allele origin: germline.
Comment: In summary, the available evidence is currently insufficient to determine the role of this variant in disease. Therefore, it has been classified as a Variant of Uncertain Significance. Algorithms developed to predict the effect of missense changes on protein structure and function are either unavailable or do not agree on the potential impact of this missense change (SIFT: "Deleterious"; PolyPhen-2: "Probably Damaging"; Align-GVGD: "Class C0"). This variant has not been reported in the literature in individuals affected with LRRK1-related conditions. This variant is not present in population databases (gnomAD no frequency). This sequence change replaces isoleucine, which is neutral and non-polar, with methionine, which is neutral and non-polar, at codon 1032 of the LRRK1 protein (p.Ile1032Met).

NM_024652.6(LRRK1):c.3096A>G (p.Ile1032Met)

Genes: LRRK1 (leucine rich repeat kinase 1; plus strand), LRRK1-AS1 (LRRK1 antisense RNA 1; minus strand). Cytogenetic location: 15q26.3.
Variant type: single nucleotide variant.
Coding change: c.3096A>G on transcript NM_024652.6 (MANE Select); coding-DNA position 3096, A replaced by G.
Protein change: p.Ile1032Met; replaces isoleucine 1032 with methionine.
Molecular consequence: missense variant.
Genome position (GRCh38, 1-based): chr15:101,046,113, A>G. VCF-style: chr15-101046113-A-G. GRCh37 (hg19) VCF-style: chr15-101586318-A-G.
Other names: short protein forms I1032M.
Identifiers: ClinVar variation 1385130 (VCV001385130.8), dbSNP rs1247301494, ClinGen allele CA393950508.